The following is an entry in ClinVar:

ClinVar aggregate classification (germline): Uncertain significance (1 of 4 stars; one submission).

Conditions:
Familial thoracic aortic aneurysm and aortic dissection (TAAD). Also called: Thoracic aortic aneurysms and dissections. Identifiers: Orphanet 91387, MedGen C4707243, MONDO:0019625.

Submission:

Ambry Genetics
Classification: Uncertain significance for Familial thoracic aortic aneurysm and aortic dissection. Last evaluated: 2026-07-06. Review status: criteria provided, single submitter. Criteria: Ambry Variant Classification Scheme 2023. Collection method: clinical testing. Allele origin: germline.
Comment: The p.H1462Y variant (also known as c.4384C>T), located in coding exon 35 of the FBN1 gene, results from a C to T substitution at nucleotide position 4384. The histidine at codon 1462 is replaced by tyrosine, an amino acid with similar properties. This amino acid position is conserved. In addition, the in silico prediction for this alteration is inconclusive. Based on the available evidence, the clinical significance of this variant remains unclear.

NM_000138.5(FBN1):c.4384C>T (p.His1462Tyr)

Gene: FBN1 (fibrillin 1; minus strand). Cytogenetic location: 15q21.1.
Variant type: single nucleotide variant.
Coding change: c.4384C>T on transcript NM_000138.5 (MANE Select); coding-DNA position 4384, C replaced by T.
Protein change: p.His1462Tyr; replaces histidine 1462 with tyrosine.
Molecular consequence: missense variant.
Genome position (GRCh38, 1-based): chr15:48,470,709, G>A on the plus strand (C>T on the coding strand, the complement: FBN1 is on the minus strand). VCF-style: chr15-48470709-G-A. GRCh37 (hg19) VCF-style: chr15-48762906-G-A.
Other names: c.4384C>T, p.His1462Tyr (NM_001406716.1); short protein forms H1462Y.
Identifiers: ClinVar variation 5021579 (VCV005021579.1).